The following is an entry in ClinVar:

ClinVar aggregate classification (germline): Uncertain significance (1 of 4 stars; one submission).

Conditions:
Hyperkalemic periodic paralysis. Also called: Familial hyperkalemic periodic paralysis; Gamstorp disease. Identifiers: Orphanet 682, MedGen C0238357, MONDO:0008224, OMIM 170500, HP:0007215.

gnomAD v4.1: 2 of 1,613,918 alleles (0.00012%); highest among the groups gnomAD compares: Non-Finnish European, 0.00017%; no homozygotes.

Submission:

Labcorp Genetics (formerly Invitae), Labcorp
Classification: Uncertain significance for Hyperkalemic periodic paralysis. Last evaluated: 2024-03-15. Review status: criteria provided, single submitter. Criteria: Invitae Variant Classification Sherloc (09022015). Collection method: clinical testing. Allele origin: germline.
Comment: This sequence change replaces valine, which is neutral and non-polar, with phenylalanine, which is neutral and non-polar, at codon 1218 of the SCN4A protein (p.Val1218Phe). This variant is present in population databases (rs762755666, gnomAD 0.0009%). This variant has not been reported in the literature in individuals affected with SCN4A-related conditions. Advanced modeling of protein sequence and biophysical properties (such as structural, functional, and spatial information, amino acid conservation, physicochemical variation, residue mobility, and thermodynamic stability) performed at Invitae indicates that this missense variant is not expected to disrupt SCN4A protein function with a negative predictive value of 95%. In summary, the available evidence is currently insufficient to determine the role of this variant in disease. Therefore, it has been classified as a Variant of Uncertain Significance.

NM_000334.4(SCN4A):c.3652G>T (p.Val1218Phe)

Genes: GH-LCR (growth hormone locus control region; plus strand), SCN4A (sodium voltage-gated channel alpha subunit 4; minus strand). Cytogenetic location: 17q23.3.
Variant type: single nucleotide variant.
Coding change: c.3652G>T on transcript NM_000334.4 (MANE Select); coding-DNA position 3652, G replaced by T.
Protein change: p.Val1218Phe; replaces valine 1218 with phenylalanine.
Molecular consequence: missense variant.
Genome position (GRCh38, 1-based): chr17:63,945,428, C>A on the plus strand (G>T on the coding strand, the complement: SCN4A is on the minus strand). VCF-style: chr17-63945428-C-A. GRCh37 (hg19) VCF-style: chr17-62022788-C-A.
Other names: short protein forms V1218F.
Identifiers: ClinVar variation 3668781 (VCV003668781.2).
Genomic context (GRCh38, chr17:63,945,428, plus strand): 5'-GGAGGGAGAGGTAGCCCAGACCCACGTTGTCGTAGTTGACCTTGACATTGAGCCAGCGGA[C>A]CTGGCCTGTGTGCATGAGGCTCTCGCACTCAGACTTGTTGTTGACCTCGGAGATGTCGAA-3'
Protein context (NP_000325.4, residues 1208-1228): ECESLMHTGQ[Val1218Phe]RWLNVKVNYD